The following is an entry in ClinVar:

NM_145200.5(CABP4):c.292C>T (p.Arg98Ter)

Gene: CABP4 (calcium binding protein 4; plus strand). Cytogenetic location: 11q13.2.
Variant type: single nucleotide variant.
Coding change: c.292C>T on transcript NM_145200.5 (MANE Select); coding-DNA position 292, C replaced by T.
Protein change: p.Arg98Ter; replaces arginine 98 with a stop codon.
Molecular consequence: nonsense. On other transcripts: 5 prime UTR variant (3), non-coding transcript variant (1).
Genome position (GRCh38, 1-based): chr11:67,455,715, C>T. VCF-style: chr11-67455715-C-T. GRCh37 (hg19) VCF-style: chr11-67223186-C-T.
Other names: c.292C>T (NM_145200.3); c.-92C>T (NM_001300895.3); c.-106C>T (NM_001300896.3, NM_001379183.1); short protein forms R98*.
Identifiers: ClinVar variation 1184508 (VCV001184508.10), dbSNP rs777555935, ClinGen allele CA6140127.

ClinVar aggregate classification (germline): Pathogenic/Likely pathogenic. Review status: criteria provided, multiple submitters, no conflicts (2 of 4 stars). 4 submissions from 4 submitters: Pathogenic (1); Likely pathogenic (2). 1 of the submissions does not count toward it. Last evaluated 2025-02-07.

Conditions:
Cone-rod synaptic disorder, congenital nonprogressive. Also called: NIGHT BLINDNESS, CONGENITAL STATIONARY, INCOMPLETE, AUTOSOMAL RECESSIVE. Identifiers: Orphanet 215, MedGen C4041558, MONDO:0012490, OMIM 610427.
CABP4-related disorder. Also called: CABP4-related condition.

Allele frequency attached by ClinVar (database versions not stated): gnomAD 0.00002; gnomAD exomes 0.00002; ExAC 0.00004; TOPMed 0.00005.

Submissions (4):

GeneDx
Classification: Likely pathogenic. Last evaluated: 2025-02-07. Review status: criteria provided, single submitter. Criteria: GeneDx Variant Classification Process June 2021. Collection method: clinical testing. Allele origin: germline. Affected: yes.
Comment: Reported as a likely pathogenic variant in a database of variants associated with retinal disease (PMID: 31964843); Nonsense variant predicted to result in protein truncation or nonsense mediated decay in a gene for which loss of function is a known mechanism of disease; This variant is associated with the following publications: (PMID: 34758253, 31964843)

Labcorp Genetics (formerly Invitae), Labcorp
Classification: Pathogenic. Last evaluated: 2024-03-10. Review status: criteria provided, single submitter. Criteria: Invitae Variant Classification Sherloc (09022015). Collection method: clinical testing. Allele origin: germline.
Comment: This sequence change creates a premature translational stop signal (p.Arg98*) in the CABP4 gene. It is expected to result in an absent or disrupted protein product. Loss-of-function variants in CABP4 are known to be pathogenic (PMID: 25307992). The frequency data for this variant in the population databases is considered unreliable, as metrics indicate poor data quality at this position in the gnomAD database. This variant has not been reported in the literature in individuals affected with CABP4-related conditions. ClinVar contains an entry for this variant (Variation ID: 1184508). For these reasons, this variant has been classified as Pathogenic.

Blueprint Genetics
Classification: Likely pathogenic for CABP4-related disorders. Last evaluated: 2023-09-21. Review status: criteria provided, single submitter. Criteria: ACMG Guidelines, 2015. Collection method: clinical testing. Allele origin: germline. Affected: yes. Observed: 3 variant alleles.

Genomics England Pilot Project, Genomics England
Classification: Pathogenic for Cone-rod synaptic disorder, congenital nonprogressive. Review status: no assertion criteria provided. Criteria: ACGS Guidelines, 2016. Collection method: clinical testing. Allele origin: germline. Affected: yes. Not counted in ClinVar's aggregate classification.

Literature cited by the submitters: PubMed 25307992 (cited by Labcorp Genetics (formerly Invitae), Labcorp).